The following is an entry in ClinVar:

ClinVar aggregate classification (germline): Uncertain significance. Review status: criteria provided, multiple submitters, no conflicts (2 of 4 stars). 2 submissions from 2 submitters: Uncertain significance (2). Last evaluated 2025-11-23.

Conditions:
DiGeorge syndrome. Also called: THIRD AND FOURTH PHARYNGEAL POUCH SYNDROME; Catch22. Identifiers: Orphanet 567, MedGen C0012236, MONDO:0008564, OMIM 188400.

Allele frequency attached by ClinVar (database versions not stated): gnomAD exomes 0.00001; ExAC 0.00002; gnomAD 0.00002; TOPMed 0.00002.
gnomAD v4.1: 13 of 1,494,414 alleles (0.00087%); highest among the groups gnomAD compares: Non-Finnish European, 0.0011%; no homozygotes.

Submissions (2):

Labcorp Genetics (formerly Invitae), Labcorp
Classification: Uncertain significance for DiGeorge syndrome. Last evaluated: 2025-11-23. Review status: criteria provided, single submitter. Criteria: Invitae Variant Classification Sherloc (09022015). Collection method: clinical testing. Allele origin: germline.
Comment: This sequence change replaces alanine, which is neutral and non-polar, with valine, which is neutral and non-polar, at codon 469 of the TBX1 protein (p.Ala469Val). This variant is present in population databases (rs757867291, gnomAD 0.002%). This variant has not been reported in the literature in individuals affected with TBX1-related conditions. ClinVar contains an entry for this variant (Variation ID: 424609). An algorithm developed to predict the effect of missense changes on protein structure and function (PolyPhen-2) suggests that this variant is likely to be disruptive. In summary, the available evidence is currently insufficient to determine the role of this variant in disease. Therefore, it has been classified as a Variant of Uncertain Significance.

GeneDx
Classification: Uncertain significance. Last evaluated: 2024-06-17. Review status: criteria provided, single submitter. Criteria: GeneDx Variant Classification Process June 2021. Collection method: clinical testing. Allele origin: germline. Affected: yes.
Comment: In silico analysis indicates that this missense variant does not alter protein structure/function; Has not been previously published as pathogenic or benign to our knowledge; This variant is associated with the following publications: (PMID: 27535533)

NM_001379200.1(TBX1):c.1433C>T (p.Ala478Val)

Gene: TBX1 (T-box transcription factor 1; plus strand). Cytogenetic location: 22q11.21.
Variant type: single nucleotide variant.
Coding change: c.1433C>T on transcript NM_001379200.1 (MANE Select); coding-DNA position 1433, C replaced by T.
Protein change: p.Ala478Val; replaces alanine 478 with valine.
Molecular consequence: missense variant. On other transcripts: intron variant (2).
Genome position (GRCh38, 1-based): chr22:19,766,785, C>T. VCF-style: chr22-19766785-C-T. GRCh37 (hg19) VCF-style: chr22-19754308-C-T.
Other names: c.1406C>T, p.Ala469Val (NM_080647.1); c.1009+783C>T (NM_005992.1, NM_080646.2); short protein forms A469V, A478V.
Identifiers: ClinVar variation 424609 (VCV000424609.12), dbSNP rs757867291, ClinGen allele CA10102765.